The following is an entry in ClinVar:

NM_000391.4(TPP1):c.665A>C (p.Asn222Thr)

Gene: TPP1 (tripeptidyl peptidase 1; minus strand). Cytogenetic location: 11p15.4.
Variant type: single nucleotide variant.
Coding change: c.665A>C on transcript NM_000391.4 (MANE Select); coding-DNA position 665, A replaced by C.
Protein change: p.Asn222Thr; replaces asparagine 222 with threonine.
Molecular consequence: missense variant.
Genome position (GRCh38, 1-based): chr11:6,616,997, T>G on the plus strand (A>C on the coding strand, the complement: TPP1 is on the minus strand). VCF-style: chr11-6616997-T-G. GRCh37 (hg19) VCF-style: chr11-6638228-T-G.
Other names: short protein forms N222T.
Identifiers: ClinVar variation 579475 (VCV000579475.7), dbSNP rs372787642, ClinGen allele CA379475352.

ClinVar aggregate classification (germline): Uncertain significance (1 of 4 stars; one submission).

gnomAD v4.1: 1 of 1,614,154 alleles (0.000062%); highest among the groups gnomAD compares: Admixed American, 0.0017%; no homozygotes.

Submission:

Labcorp Genetics (formerly Invitae), Labcorp
Classification: Uncertain significance. Last evaluated: 2022-07-12. Review status: criteria provided, single submitter. Criteria: Invitae Variant Classification Sherloc (09022015). Collection method: clinical testing. Allele origin: germline.
Comment: This sequence change replaces asparagine, which is neutral and polar, with threonine, which is neutral and polar, at codon 222 of the TPP1 protein (p.Asn222Thr). This variant is present in population databases (no rsID available, gnomAD 0.003%). This variant has not been reported in the literature in individuals affected with TPP1-related conditions. ClinVar contains an entry for this variant (Variation ID: 579475). Advanced modeling of protein sequence and biophysical properties (such as structural, functional, and spatial information, amino acid conservation, physicochemical variation, residue mobility, and thermodynamic stability) performed at Invitae indicates that this missense variant is expected to disrupt TPP1 protein function. In summary, the available evidence is currently insufficient to determine the role of this variant in disease. Therefore, it has been classified as a Variant of Uncertain Significance.